The following is an entry in ClinVar:

ClinVar aggregate classification (germline): Uncertain significance (1 of 4 stars; one submission).

Allele frequency attached by ClinVar (database versions not stated): ESP Exome Variant Server 0.00015.
gnomAD v4.1: 513 of 1,598,498 alleles (0.032%); highest among the groups gnomAD compares: Non-Finnish European, 0.041%; no homozygotes.

Submission:

Labcorp Genetics (formerly Invitae), Labcorp
Classification: Uncertain significance. Last evaluated: 2022-10-05. Review status: criteria provided, single submitter. Criteria: Invitae Variant Classification Sherloc (09022015). Collection method: clinical testing. Allele origin: germline.
Comment: This sequence change replaces glutamine, which is neutral and polar, with glutamic acid, which is acidic and polar, at codon 108 of the TNFRSF9 protein (p.Gln108Glu). This variant is present in population databases (rs147680622, gnomAD 0.03%). This variant has not been reported in the literature in individuals affected with TNFRSF9-related conditions. ClinVar contains an entry for this variant (Variation ID: 1498066). Algorithms developed to predict the effect of missense changes on protein structure and function output the following: SIFT: "Tolerated"; PolyPhen-2: "Benign"; Align-GVGD: "Class C0". The glutamic acid amino acid residue is found in multiple mammalian species, which suggests that this missense change does not adversely affect protein function. In summary, the available evidence is currently insufficient to determine the role of this variant in disease. Therefore, it has been classified as a Variant of Uncertain Significance.

NM_001561.6(TNFRSF9):c.322C>G (p.Gln108Glu)

Gene: TNFRSF9 (TNF receptor superfamily member 9; minus strand). Cytogenetic location: 1p36.23.
Variant type: single nucleotide variant.
Coding change: c.322C>G on transcript NM_001561.6 (MANE Select); coding-DNA position 322, C replaced by G.
Protein change: p.Gln108Glu; replaces glutamine 108 with glutamic acid.
Molecular consequence: missense variant.
Genome position (GRCh38, 1-based): chr1:7,938,217, G>C on the plus strand (C>G on the coding strand, the complement: TNFRSF9 is on the minus strand). VCF-style: chr1-7938217-G-C. GRCh37 (hg19) VCF-style: chr1-7998277-G-C.
Other names: short protein forms Q108E.
Identifiers: ClinVar variation 1498066 (VCV001498066.3), dbSNP rs147680622, ClinGen allele CA569283.